The following is an entry in ClinVar:

ClinVar aggregate classification (germline): Likely benign. Review status: criteria provided, multiple submitters, no conflicts (2 of 4 stars). 2 submissions from 2 submitters: Likely benign (2). Last evaluated 2026-01-21.

Allele frequency attached by ClinVar (database versions not stated): ESP Exome Variant Server 0.00008; TOPMed 0.00008; ExAC 0.00009; gnomAD 0.00010 and 0.00011.
gnomAD v4.1: 212 of 1,613,730 alleles (0.013%); highest among the groups gnomAD compares: Non-Finnish European, 0.017%; no homozygotes.

Submissions (2):

Labcorp Genetics (formerly Invitae), Labcorp
Classification: Likely benign. Last evaluated: 2026-01-21. Review status: criteria provided, single submitter. Criteria: Invitae Variant Classification Sherloc (09022015). Collection method: clinical testing. Allele origin: germline.

CeGaT Center for Human Genetics Tuebingen
Classification: Likely benign. Last evaluated: 2022-08-01. Review status: criteria provided, single submitter. Criteria: CeGaT Center For Human Genetics Tuebingen Variant Classification Criteria Version 2. Collection method: clinical testing. Allele origin: germline. Affected: yes. Observed: 3 variant alleles.
Comment: CCDC88C: BP4, BP7

NM_001080414.4(CCDC88C):c.4377C>T (p.Asp1459=)

Gene: CCDC88C (coiled-coil and HOOK domain protein 88C; minus strand). Cytogenetic location: 14q32.11.
Variant type: single nucleotide variant.
Coding change: c.4377C>T on transcript NM_001080414.4 (MANE Select); coding-DNA position 4377, C replaced by T.
Protein change: p.Asp1459=; no amino-acid change (aspartic acid 1459 retained).
Molecular consequence: synonymous variant.
Genome position (GRCh38, 1-based): chr14:91,289,169, G>A on the plus strand (C>T on the coding strand, the complement: CCDC88C is on the minus strand). VCF-style: chr14-91289169-G-A. GRCh37 (hg19) VCF-style: chr14-91755513-G-A.
Identifiers: ClinVar variation 1298594 (VCV001298594.38), dbSNP rs377506651, ClinGen allele CA7309030.